The following is an entry in ClinVar:

NM_012434.5(SLC17A5):c.94+2T>A

Genes: SLC17A5 (solute carrier family 17 member 5; minus strand), LOC129996727 (ATAC-STARR-seq lymphoblastoid silent region 17338; plus strand). Cytogenetic location: 6q13.
Variant type: single nucleotide variant.
Coding change: c.94+2T>A on transcript NM_012434.5 (MANE Select); the canonical splice donor site of the intron after coding-DNA position 94, T replaced by A.
Molecular consequence: splice donor variant.
Genome position (GRCh38, 1-based): chr6:73,653,791, A>T on the plus strand (T>A on the coding strand, the complement: SLC17A5 is on the minus strand). VCF-style: chr6-73653791-A-T. GRCh37 (hg19) VCF-style: chr6-74363514-A-T.
Other names: c.60+2T>A (NM_001382636.1, NM_001382629.1); c.94+2T>A (NM_001382632.1, NM_001382635.1, NM_001382634.1 and 3 more transcripts).
Identifiers: ClinVar variation 946386 (VCV000946386.10), dbSNP rs1769984400, ClinGen allele CA364720116.

ClinVar aggregate classification (germline): Likely pathogenic. Review status: criteria provided, multiple submitters, no conflicts (2 of 4 stars). 3 submissions from 3 submitters: Likely pathogenic (3). Last evaluated 2026-01-22.

Conditions:
Salla disease (SD). Also called: Less Severe FSASD (Salla Disease); Sialuria, Finnish type; N-acetylneuraminic acid (NANA) storage disease (NSD); Infantile sialic acid storage disorder (ISSD). Identifiers: Orphanet 309334, Orphanet 834, MedGen C1096903, MONDO:0011449, OMIM 604369.

Allele frequency attached by ClinVar (database versions not stated): gnomAD exomes below 0.00001; TOPMed below 0.00001.
gnomAD v4.1: 2 of 1,585,246 alleles (0.00013%); highest among the groups gnomAD compares: Non-Finnish European, 0.00017%; no homozygotes.

Submissions (3):

Natera, Inc.
Classification: Likely pathogenic for Salla disease. Last evaluated: 2026-01-22. Review status: criteria provided, single submitter. Criteria: Natera Variant Classification Schema (03/2026). Collection method: clinical testing. Allele origin: germline.
Comment: The c.94+2T>A variant in SLC17A5 is a canonical splice donor site variant predicted to affect pre-mRNA splicing, which may result in an abnormal transcript and altered protein product. This variant is expected to result in nonsense mediated decay, truncation, or a dysfunctional protein product. This variant is rare in the general population with a frequency below the threshold expected for the associated phenotype(s). Given the available evidence, this variant is classified as Likely Pathogenic.

Baylor Genetics
Classification: Likely pathogenic for Salla disease. Last evaluated: 2022-01-08. Review status: criteria provided, single submitter. Criteria: ACMG Guidelines, 2015. Collection method: clinical testing. Allele origin: unknown.

Labcorp Genetics (formerly Invitae), Labcorp
Classification: Likely pathogenic for Salla disease. Last evaluated: 2019-05-04. Review status: criteria provided, single submitter. Criteria: Invitae Variant Classification Sherloc (09022015). Collection method: clinical testing. Allele origin: germline.
Comment: This sequence change affects a donor splice site in intron 1 of the SLC17A5 gene. It is expected to disrupt RNA splicing and likely results in an absent or disrupted protein product. This variant is not present in population databases (ExAC no frequency). This variant has not been reported in the literature in individuals with SLC17A5-related conditions. Donor and acceptor splice site variants typically lead to a loss of protein function (PMID: 16199547), and loss-of-function variants in SLC17A5 are known to be pathogenic (PMID: 10581036, 10947946, 15172001). In summary, the currently available evidence indicates that the variant is pathogenic, but additional data are needed to prove that conclusively. Therefore, this variant has been classified as Likely Pathogenic.

Literature cited by the submitters: PubMed 16199547 (cited by Labcorp Genetics (formerly Invitae), Labcorp); PubMed 10581036 (cited by Labcorp Genetics (formerly Invitae), Labcorp); PubMed 10947946 (cited by Labcorp Genetics (formerly Invitae), Labcorp); PubMed 15172001 (cited by Labcorp Genetics (formerly Invitae), Labcorp).